The following is an entry in ClinVar:

ClinVar aggregate classification (germline): Uncertain significance (1 of 4 stars; one submission).

Conditions:
Familial thoracic aortic aneurysm and aortic dissection (TAAD). Also called: Thoracic aortic aneurysms and dissections. Identifiers: Orphanet 91387, MedGen C4707243, MONDO:0019625.
Marfan syndrome (MFS). Also called: MARFAN SYNDROME, TYPE I; Marfan syndrome type 1; Marfan's syndrome; Marfan syndrome, classic; FBN1-Related Marfan Syndrome. Identifiers: Orphanet 284963, Orphanet 558, MedGen C0024796, MONDO:0007947, OMIM 154700.

Submission:

Labcorp Genetics (formerly Invitae), Labcorp
Classification: Uncertain significance for Marfan syndrome; Familial thoracic aortic aneurysm and aortic dissection. Last evaluated: 2022-06-16. Review status: criteria provided, single submitter. Criteria: Invitae Variant Classification Sherloc (09022015). Collection method: clinical testing. Allele origin: germline.
Comment: This sequence change replaces glutamic acid, which is acidic and polar, with alanine, which is neutral and non-polar, at codon 2488 of the FBN1 protein (p.Glu2488Ala). This variant is not present in population databases (gnomAD no frequency). This variant has not been reported in the literature in individuals affected with FBN1-related conditions. Advanced modeling of protein sequence and biophysical properties (such as structural, functional, and spatial information, amino acid conservation, physicochemical variation, residue mobility, and thermodynamic stability) performed at Invitae indicates that this missense variant is expected to disrupt FBN1 protein function. In summary, the available evidence is currently insufficient to determine the role of this variant in disease. Therefore, it has been classified as a Variant of Uncertain Significance.

NM_000138.5(FBN1):c.7463A>C (p.Glu2488Ala)

Gene: FBN1 (fibrillin 1; minus strand). Cytogenetic location: 15q21.1.
Variant type: single nucleotide variant.
Coding change: c.7463A>C on transcript NM_000138.5 (MANE Select); coding-DNA position 7463, A replaced by C.
Protein change: p.Glu2488Ala; replaces glutamic acid 2488 with alanine.
Molecular consequence: missense variant.
Genome position (GRCh38, 1-based): chr15:48,422,059, T>G on the plus strand (A>C on the coding strand, the complement: FBN1 is on the minus strand). VCF-style: chr15-48422059-T-G. GRCh37 (hg19) VCF-style: chr15-48714256-T-G.
Other names: c.7463A>C, p.Glu2488Ala (NM_001406716.1); short protein forms E2488A.
Identifiers: ClinVar variation 2007509 (VCV002007509.4), dbSNP rs2505399894, ClinGen allele CA392326216.